The following is an entry in ClinVar:

ClinVar aggregate classification (germline): Uncertain significance. Review status: criteria provided, multiple submitters, no conflicts (2 of 4 stars). 3 submissions from 3 submitters: Uncertain significance (3). Last evaluated 2025-12-26.

Conditions:
Aortic valve disease 2 (AOVD2). Identifiers: MedGen C3542024, MONDO:0013902, OMIM 614823.
Inborn genetic diseases. Identifiers: MedGen C0950123, MeSH D030342.

Allele frequency attached by ClinVar (database versions not stated): gnomAD 0.00001; gnomAD exomes 0.00001; TOPMed 0.00002; ExAC 0.00001.
gnomAD v4.1: 10 of 1,608,866 alleles (0.00062%); highest among the groups gnomAD compares: Non-Finnish European, 0.00085%; no homozygotes.

Submissions (3):

Labcorp Genetics (formerly Invitae), Labcorp
Classification: Uncertain significance for Aortic valve disease 2. Last evaluated: 2025-12-26. Review status: criteria provided, single submitter. Criteria: Invitae Variant Classification Sherloc (09022015). Collection method: clinical testing. Allele origin: germline.
Comment: This sequence change replaces isoleucine, which is neutral and non-polar, with valine, which is neutral and non-polar, at codon 356 of the SMAD6 protein (p.Ile356Val). This variant is present in population databases (rs747893134, gnomAD 0.0009%). This variant has not been reported in the literature in individuals affected with SMAD6-related conditions. ClinVar contains an entry for this variant (Variation ID: 1781812). Invitae Evidence Modeling of protein sequence and biophysical properties (such as structural, functional, and spatial information, amino acid conservation, physicochemical variation, residue mobility, and thermodynamic stability) indicates that this missense variant is not expected to disrupt SMAD6 protein function with a negative predictive value of 80%. In summary, the available evidence is currently insufficient to determine the role of this variant in disease. Therefore, it has been classified as a Variant of Uncertain Significance.

Women's Health and Genetics/Laboratory Corporation of America, LabCorp
Classification: Uncertain significance. Last evaluated: 2024-04-08. Review status: criteria provided, single submitter. Criteria: LabCorp Variant Classification Summary - May 2015. Collection method: clinical testing. Allele origin: germline.

Ambry Genetics
Classification: Uncertain significance for Inborn genetic diseases. Last evaluated: 2022-05-30. Review status: criteria provided, single submitter. Criteria: Ambry Variant Classification Scheme 2023. Collection method: clinical testing. Allele origin: germline.
Comment: The p.I356V variant (also known as c.1066A>G), located in coding exon 4 of the SMAD6 gene, results from an A to G substitution at nucleotide position 1066. The isoleucine at codon 356 is replaced by valine, an amino acid with highly similar properties. This amino acid position is conserved. In addition, the in silico prediction for this alteration is inconclusive. Since supporting evidence is limited at this time, the clinical significance of this alteration remains unclear.

NM_005585.5(SMAD6):c.1066A>G (p.Ile356Val)

Gene: SMAD6 (SMAD family member 6; plus strand). Cytogenetic location: 15q22.31.
Variant type: single nucleotide variant.
Coding change: c.1066A>G on transcript NM_005585.5 (MANE Select); coding-DNA position 1066, A replaced by G.
Protein change: p.Ile356Val; replaces isoleucine 356 with valine.
Molecular consequence: missense variant. On other transcripts: non-coding transcript variant (1).
Genome position (GRCh38, 1-based): chr15:66,781,110, A>G. VCF-style: chr15-66781110-A-G. GRCh37 (hg19) VCF-style: chr15-67073448-A-G.
Other names: short protein forms I356V.
Identifiers: ClinVar variation 1781812 (VCV001781812.6), dbSNP rs747893134, ClinGen allele CA7626719.